The following is an entry in ClinVar:

NM_000218.3(KCNQ1):c.1514+28451G>A

Genes: KCNQ1 (potassium voltage-gated channel subfamily Q member 1; plus strand), KCNQ1OT1 (KCNQ1 opposite strand/antisense transcript 1; minus strand). Cytogenetic location: 11p15.5.
Variant type: single nucleotide variant.
Coding change: c.1514+28451G>A on transcript NM_000218.3 (MANE Select); 28451 bases into the intron after coding-DNA position 1514, G replaced by A.
Molecular consequence: intron variant. On other transcripts: non-coding transcript variant (1).
Genome position (GRCh38, 1-based): chr11:2,690,532, G>A. VCF-style: chr11-2690532-G-A. GRCh37 (hg19) VCF-style: chr11-2711762-G-A.
Other names: c.1244+28451G>A (NM_001406837.1); c.1418+28451G>A (NM_001406836.1); c.974+28451G>A (NM_001406838.1); c.1133+28451G>A (NM_181798.2).
Identifiers: ClinVar variation 4873937 (VCV004873937.2).

ClinVar aggregate classification (germline): Likely benign (1 of 4 stars; one submission).

gnomAD v4.1: 357 of 398,690 alleles (0.09%); highest among the groups gnomAD compares: African/African-American, 0.6%; 1 homozygote.

Submission:

CeGaT Center for Human Genetics Tuebingen
Classification: Likely benign. Last evaluated: 2026-08-01. Review status: criteria provided, single submitter. Criteria: CeGaT Center For Human Genetics Tuebingen Variant Classification Criteria Version 2. Collection method: clinical testing. Allele origin: germline. Affected: yes. Observed: 2 variant alleles.
Comment: KCNQ1OT1: BS1